The following is an entry in ClinVar:

NM_001005242.3(PKP2):c.2288A>T (p.Tyr763Phe)

Gene: PKP2 (plakophilin 2; minus strand). Cytogenetic location: 12p11.21.
Variant type: single nucleotide variant.
Coding change: c.2288A>T on transcript NM_001005242.3 (MANE Select); coding-DNA position 2288, A replaced by T.
Protein change: p.Tyr763Phe; replaces tyrosine 763 with phenylalanine.
Molecular consequence: missense variant.
Genome position (GRCh38, 1-based): chr12:32,796,178, T>A on the plus strand (A>T on the coding strand, the complement: PKP2 is on the minus strand). VCF-style: chr12-32796178-T-A. GRCh37 (hg19) VCF-style: chr12-32949112-T-A.
Other names: c.2420A>T, p.Tyr807Phe (NM_004572.4); short protein forms Y763F, Y807F.
Identifiers: ClinVar variation 1443097 (VCV001443097.8), dbSNP rs2137708194, ClinGen allele CA384357718.

ClinVar aggregate classification (germline): Uncertain significance (1 of 4 stars; one submission).

Conditions:
Arrhythmogenic right ventricular dysplasia 9 (ARVD9). Also called: Arrhythmogenic Right Ventricular Dysplasia/Cardiomyopathy 9; ARRHYTHMOGENIC RIGHT VENTRICULAR DYSPLASIA, FAMILIAL, 9. Identifiers: MedGen C1836906, MONDO:0012180, OMIM 609040.

Submission:

Labcorp Genetics (formerly Invitae), Labcorp
Classification: Uncertain significance for Arrhythmogenic right ventricular dysplasia 9. Last evaluated: 2022-03-19. Review status: criteria provided, single submitter. Criteria: Invitae Variant Classification Sherloc (09022015). Collection method: clinical testing. Allele origin: germline.
Comment: In summary, the available evidence is currently insufficient to determine the role of this variant in disease. Therefore, it has been classified as a Variant of Uncertain Significance. Algorithms developed to predict the effect of missense changes on protein structure and function (SIFT, PolyPhen-2, Align-GVGD) all suggest that this variant is likely to be tolerated. This variant has not been reported in the literature in individuals affected with PKP2-related conditions. This variant is not present in population databases (gnomAD no frequency). This sequence change replaces tyrosine, which is neutral and polar, with phenylalanine, which is neutral and non-polar, at codon 807 of the PKP2 protein (p.Tyr807Phe).